The following is an entry in ClinVar:

ClinVar aggregate classification (germline): Uncertain significance (1 of 4 stars; one submission).

gnomAD v4.1: 3 of 1,614,048 alleles (0.00019%); highest among the groups gnomAD compares: African/African-American, 0.004%; no homozygotes.

Submission:

Labcorp Genetics (formerly Invitae), Labcorp
Classification: Uncertain significance. Last evaluated: 2025-04-23. Review status: criteria provided, single submitter. Criteria: Invitae Variant Classification Sherloc (09022015). Collection method: clinical testing. Allele origin: germline.
Comment: This sequence change replaces lysine, which is basic and polar, with asparagine, which is neutral and polar, at codon 178 of the DNAJC17 protein (p.Lys178Asn). This variant is present in population databases (no rsID available, gnomAD 0.01%). This variant has not been reported in the literature in individuals affected with DNAJC17-related conditions. An algorithm developed to predict the effect of missense changes on protein structure and function (PolyPhen-2) suggests that this variant is likely to be disruptive. In summary, the available evidence is currently insufficient to determine the role of this variant in disease. Therefore, it has been classified as a Variant of Uncertain Significance.

NM_018163.3(DNAJC17):c.534G>C (p.Lys178Asn)

Gene: DNAJC17 (DnaJ heat shock protein family (Hsp40) member C17; minus strand). Cytogenetic location: 15q15.1.
Variant type: single nucleotide variant.
Coding change: c.534G>C on transcript NM_018163.3 (MANE Select); coding-DNA position 534, G replaced by C.
Protein change: p.Lys178Asn; replaces lysine 178 with asparagine.
Molecular consequence: missense variant.
Genome position (GRCh38, 1-based): chr15:40,775,097, C>G on the plus strand (G>C on the coding strand, the complement: DNAJC17 is on the minus strand). VCF-style: chr15-40775097-C-G. GRCh37 (hg19) VCF-style: chr15-41067295-C-G.
Other names: short protein forms K178N.
Identifiers: ClinVar variation 4701567 (VCV004701567.1).